The following is an entry in ClinVar:

NM_000157.4(GBA1):c.999+1G>T

Genes: GBA1 (glucosylceramidase beta 1; minus strand), LOC106627981 (GBA recombination region; plus strand). Cytogenetic location: 1q22.
Variant type: single nucleotide variant.
Coding change: c.999+1G>T on transcript NM_000157.4 (MANE Select); the canonical splice donor site of the intron after coding-DNA position 999, G replaced by T.
Molecular consequence: splice donor variant.
Genome position (GRCh38, 1-based): chr1:155,237,340, C>A on the plus strand (G>T on the coding strand, the complement: GBA1 is on the minus strand). VCF-style: chr1-155237340-C-A. GRCh37 (hg19) VCF-style: chr1-155207131-C-A.
Other names: c.738+1G>T (NM_001171811.2); c.999+1G>T (NM_001005742.3, NM_001005741.3); c.852+1G>T (NM_001171812.2).
Identifiers: ClinVar variation 4817830 (VCV004817830.1).

ClinVar aggregate classification (germline): Pathogenic (1 of 4 stars; one submission).

Conditions:
Gaucher disease. Also called: Acute cerebral Gaucher disease; Cerebroside lipidosis syndrome; Gaucher splenomegaly; Sphingolipidosis 1; Glucocerebrosidosis; Glucosylceramidase deficiency. Identifiers: Orphanet 355, MedGen C0017205, MONDO:0018150.

Submission:

Natera, Inc.
Classification: Pathogenic for Gaucher disease. Last evaluated: 2025-09-19. Review status: criteria provided, single submitter. Criteria: Natera Variant Classification Schema (03/2026). Collection method: clinical testing. Allele origin: germline.
Comment: The c.999+1G>T variant in GBA1 is a canonical splice donor site variant predicted to affect pre-mRNA splicing, which may result in an abnormal transcript and altered protein product. This variant is expected to result in nonsense mediated decay, truncation, or a dysfunctional protein product. This variant is rare in the general population with a frequency below the threshold expected for the associated phenotype(s). This variant has been observed in one or more individuals affected with the associated recessive disease, as either homozygous or compound heterozygous with a second variant (PMID: 29602947). Given the available evidence, this variant is classified as Pathogenic.

Literature cited by the submitters: PubMed 29602947.